The following is an entry in ClinVar:

ClinVar aggregate classification (germline): Uncertain significance (1 of 4 stars; one submission).

Conditions:
Alkuraya-Kucinskas syndrome. Identifiers: Orphanet 610569, MedGen C4693347, MONDO:0060631, OMIM 617822.

Submission:

Juno Genomics, Hangzhou Juno Genomics, Inc
Classification: Uncertain significance for Alkuraya-Kucinskas syndrome. Review status: criteria provided, single submitter. Criteria: ACMG Guidelines, 2015. Collection method: clinical testing. Allele origin: germline. Affected: yes.
Comment: Absent from controls (or at extremely low frequency if recessive) in Genome Aggregation Database, Exome Sequencing Project, 1000 Genomes Project, or Exome Aggregation Consortium.;Null variant in a gene where loss of function (LOF) is a known mechanism of disease.

NM_001384125.1(BLTP1):c.12997+1G>T

Gene: BLTP1 (bridge-like lipid transfer protein family member 1; plus strand). Cytogenetic location: 4q27.
Variant type: single nucleotide variant.
Coding change: c.12997+1G>T on transcript NM_001384125.1 (MANE Select); the canonical splice donor site of the intron after coding-DNA position 12997, G replaced by T.
Molecular consequence: splice donor variant.
Genome position (GRCh38, 1-based): chr4:122,344,562, G>T. VCF-style: chr4-122344562-G-T. GRCh37 (hg19) VCF-style: chr4-123265717-G-T.
Other names: c.12733+1G>T (NM_015312.4).
Identifiers: ClinVar variation 3383151 (VCV003383151.2).
Genomic context (GRCh38, chr4:122,344,562, plus strand): 5'-AAAGTCAGTCTGTAAGCAAGTCTGCAAGCAAAATGGATACTACGTTAATAAATATATCTG[G>T]TACTCAATTTTATAGTTTTTAAATTAAAATACTGTTTTCCAAAATTAAATAATGGCCTCT-3'